The following is an entry in ClinVar:

NM_015272.5(RPGRIP1L):c.2958+1G>T

Gene: RPGRIP1L (RPGRIP1 like; minus strand). Cytogenetic location: 16q12.2.
Variant type: single nucleotide variant.
Coding change: c.2958+1G>T on transcript NM_015272.5 (MANE Select); the canonical splice donor site of the intron after coding-DNA position 2958, G replaced by T.
Molecular consequence: splice donor variant.
Genome position (GRCh38, 1-based): chr16:53,641,032, C>A on the plus strand (G>T on the coding strand, the complement: RPGRIP1L is on the minus strand). VCF-style: chr16-53641032-C-A. GRCh37 (hg19) VCF-style: chr16-53674944-C-A.
Other names: c.2958+1G>T (NM_001127897.4, NM_001330538.2, NM_001308334.3).
Identifiers: ClinVar variation 1514168 (VCV001514168.7), dbSNP rs2151056579, ClinGen allele CA395926904.

ClinVar aggregate classification (germline): Likely pathogenic. Review status: criteria provided, multiple submitters, no conflicts (2 of 4 stars). 2 submissions from 2 submitters: Likely pathogenic (2). Last evaluated 2022-03-12.

Conditions:
Meckel syndrome, type 5 (MKS5). Identifiers: Orphanet 564, MedGen C1969052, MONDO:0012695, OMIM 611561.
Joubert syndrome 7 (JBTS7). Identifiers: Orphanet 220497, MedGen C1969053, MONDO:0012694, OMIM 611560.
COACH syndrome 3. Identifiers: MedGen C5436841, MONDO:0030862, OMIM 619113.
Meckel-Gruber syndrome. Also called: DYSENCEPHALIA SPLANCHNOCYSTICA; GRUBER SYNDROME; Dysencephalia splachnocystica. Identifiers: Orphanet 564, MedGen C0265215, MONDO:0018921.
Joubert syndrome. Also called: CEREBELLOPARENCHYMAL DISORDER IV; JOUBERT-BOLTSHAUSER SYNDROME; Familial aplasia of the vermis. Identifiers: Orphanet 475, MedGen C5979921, MONDO:0018772.

Submissions (2):

Fulgent Genetics
Classification: Likely pathogenic for Joubert syndrome 7; Meckel syndrome, type 5; COACH syndrome 3. Last evaluated: 2022-03-12. Review status: criteria provided, single submitter. Criteria: ACMG Guidelines, 2015. Collection method: clinical testing. Allele origin: unknown.

Labcorp Genetics (formerly Invitae), Labcorp
Classification: Likely pathogenic for Joubert syndrome; Meckel-Gruber syndrome. Last evaluated: 2021-10-18. Review status: criteria provided, single submitter. Criteria: Invitae Variant Classification Sherloc (09022015). Collection method: clinical testing. Allele origin: germline.
Comment: This sequence change affects a donor splice site in intron 19 of the RPGRIP1L gene. It is expected to disrupt RNA splicing. Variants that disrupt the donor or acceptor splice site typically lead to a loss of protein function (PMID: 16199547), and loss-of-function variants in RPGRIP1L are known to be pathogenic (PMID: 17558409). In summary, the currently available evidence indicates that the variant is pathogenic, but additional data are needed to prove that conclusively. Therefore, this variant has been classified as Likely Pathogenic. Algorithms developed to predict the effect of sequence changes on RNA splicing suggest that this variant may disrupt the consensus splice site. This variant has not been reported in the literature in individuals affected with RPGRIP1L-related conditions. This variant is not present in population databases (ExAC no frequency).

Literature cited by the submitters: PubMed 16199547 (cited by Labcorp Genetics (formerly Invitae), Labcorp); PubMed 17558409 (cited by Labcorp Genetics (formerly Invitae), Labcorp).